The following is an entry in ClinVar:

ClinVar aggregate classification (germline): Uncertain significance (1 of 4 stars; one submission).

Submission:

Labcorp Genetics (formerly Invitae), Labcorp
Classification: Uncertain significance. Last evaluated: 2023-04-05. Review status: criteria provided, single submitter. Criteria: Invitae Variant Classification Sherloc (09022015). Collection method: clinical testing. Allele origin: germline.
Comment: This sequence change replaces isoleucine, which is neutral and non-polar, with phenylalanine, which is neutral and non-polar, at codon 312 of the CCT2 protein (p.Ile312Phe). This variant is not present in population databases (gnomAD no frequency). This variant has not been reported in the literature in individuals affected with CCT2-related conditions. ClinVar contains an entry for this variant (Variation ID: 1463159). An algorithm developed to predict the effect of missense changes on protein structure and function (PolyPhen-2) suggests that this variant is likely to be disruptive. In summary, the available evidence is currently insufficient to determine the role of this variant in disease. Therefore, it has been classified as a Variant of Uncertain Significance.

NM_006431.3(CCT2):c.934A>T (p.Ile312Phe)

Gene: CCT2 (chaperonin containing TCP1 subunit 2; plus strand). Cytogenetic location: 12q15.
Variant type: single nucleotide variant.
Coding change: c.934A>T on transcript NM_006431.3 (MANE Select); coding-DNA position 934, A replaced by T.
Protein change: p.Ile312Phe; replaces isoleucine 312 with phenylalanine.
Molecular consequence: missense variant.
Genome position (GRCh38, 1-based): chr12:69,593,565, A>T. VCF-style: chr12-69593565-A-T. GRCh37 (hg19) VCF-style: chr12-69987345-A-T.
Other names: c.793A>T, p.Ile265Phe (NM_001198842.2); short protein forms I265F, I312F.
Identifiers: ClinVar variation 1463159 (VCV001463159.8), dbSNP rs751384274, ClinGen allele CA385729618.